The following is an entry in ClinVar:

ClinVar aggregate classification (germline): Benign/Likely benign. Review status: criteria provided, multiple submitters, no conflicts (2 of 4 stars). 3 submissions from 3 submitters: Benign (1); Likely benign (2). Last evaluated 2026-01-18.

Conditions:
Hyperkalemic periodic paralysis. Also called: Familial hyperkalemic periodic paralysis; Gamstorp disease. Identifiers: Orphanet 682, MedGen C0238357, MONDO:0008224, OMIM 170500, HP:0007215.

Allele frequency attached by ClinVar (database versions not stated): gnomAD exomes 0.00013 and 0.00040; ExAC 0.00075; ESP Exome Variant Server 0.00112; 1000 Genomes Project 0.00140; gnomAD 0.00141 and 0.00135; 1000 Genomes Project 30x 0.00125; TOPMed 0.00163.
gnomAD v4.1: 409 of 1,597,832 alleles (0.026%); highest among the groups gnomAD compares: African/African-American, 0.48%; 4 homozygotes.

Submissions (3):

Labcorp Genetics (formerly Invitae), Labcorp
Classification: Benign for Hyperkalemic periodic paralysis. Last evaluated: 2026-01-18. Review status: criteria provided, single submitter. Criteria: Invitae Variant Classification Sherloc (09022015). Collection method: clinical testing. Allele origin: germline.

CeGaT Center for Human Genetics Tuebingen
Classification: Likely benign. Last evaluated: 2023-01-01. Review status: criteria provided, single submitter. Criteria: CeGaT Center For Human Genetics Tuebingen Variant Classification Criteria Version 2. Collection method: clinical testing. Allele origin: germline. Affected: yes. Observed: 1 variant allele.
Comment: SCN4A: BS2

GeneDx
Classification: Likely benign. Last evaluated: 2020-06-23. Review status: criteria provided, single submitter. Criteria: GeneDx Variant Classification Process June 2021. Collection method: clinical testing. Allele origin: germline. Affected: yes.

NM_000334.4(SCN4A):c.248T>C (p.Leu83Pro)

Gene: SCN4A (sodium voltage-gated channel alpha subunit 4; minus strand). Cytogenetic location: 17q23.3.
Variant type: single nucleotide variant.
Coding change: c.248T>C on transcript NM_000334.4 (MANE Select); coding-DNA position 248, T replaced by C.
Protein change: p.Leu83Pro; replaces leucine 83 with proline.
Molecular consequence: missense variant.
Genome position (GRCh38, 1-based): chr17:63,972,594, A>G on the plus strand (T>C on the coding strand, the complement: SCN4A is on the minus strand). VCF-style: chr17-63972594-A-G. GRCh37 (hg19) VCF-style: chr17-62049954-A-G.
Other names: short protein forms L83P.
Identifiers: ClinVar variation 426413 (VCV000426413.37), dbSNP rs147352060, ClinGen allele CA8710242.